The following is an entry in ClinVar:

ClinVar aggregate classification (germline): Uncertain significance (1 of 4 stars; one submission).

Allele frequency attached by ClinVar (database versions not stated): TOPMed 0.00001.
gnomAD v4.1: 10 of 1,614,072 alleles (0.00062%); highest among the groups gnomAD compares: Non-Finnish European, 0.00085%; no homozygotes.

Submission:

Labcorp Genetics (formerly Invitae), Labcorp
Classification: Uncertain significance. Last evaluated: 2023-04-25. Review status: criteria provided, single submitter. Criteria: Invitae Variant Classification Sherloc (09022015). Collection method: clinical testing. Allele origin: germline.
Comment: In summary, the available evidence is currently insufficient to determine the role of this variant in disease. Therefore, it has been classified as a Variant of Uncertain Significance. Advanced modeling of protein sequence and biophysical properties (such as structural, functional, and spatial information, amino acid conservation, physicochemical variation, residue mobility, and thermodynamic stability) performed at Invitae indicates that this missense variant is expected to disrupt LIPT1 protein function. This variant has not been reported in the literature in individuals affected with LIPT1-related conditions. This variant is not present in population databases (gnomAD no frequency). This sequence change replaces tryptophan, which is neutral and slightly polar, with cysteine, which is neutral and slightly polar, at codon 50 of the LIPT1 protein (p.Trp50Cys).

NM_145199.3(LIPT1):c.150G>T (p.Trp50Cys)

Genes: LIPT1 (lipoyltransferase 1; plus strand), MITD1 (microtubule interacting and trafficking domain containing 1; minus strand). Cytogenetic location: 2q11.2.
Variant type: single nucleotide variant.
Coding change: c.150G>T on transcript NM_145199.3 (MANE Select); coding-DNA position 150, G replaced by T.
Protein change: p.Trp50Cys; replaces tryptophan 50 with cysteine.
Molecular consequence: missense variant. On other transcripts: non-coding transcript variant (2).
Genome position (GRCh38, 1-based): chr2:99,162,107, G>T. VCF-style: chr2-99162107-G-T. GRCh37 (hg19) VCF-style: chr2-99778570-G-T.
Other names: c.150G>T, p.Trp50Cys (NM_001204830.2, NM_015929.4, NM_145197.3 and 1 more transcripts); short protein forms W50C.
Identifiers: ClinVar variation 2919534 (VCV002919534.1), dbSNP rs1574811310, ClinGen allele CA347851304.